The following is an entry in ClinVar:

ClinVar aggregate classification (germline): Likely pathogenic (1 of 4 stars; one submission).

Conditions:
Sarcotubular myopathy (LGMDR8). Also called: Hutterite type of muscular dystrophy; MUSCULAR DYSTROPHY, LIMB-GIRDLE, AUTOSOMAL RECESSIVE 8; Autosomal recessive limb-girdle muscular dystrophy type 2H; Limb-girdle muscular dystrophy, type 2H. Identifiers: Orphanet 1878, MedGen C0270968, MONDO:0009683, OMIM 254110.

Submission:

Kariminejad - Najmabadi Pathology & Genetics Center
Classification: Likely pathogenic for Sarcotubular myopathy. Last evaluated: 2023-11-19. Review status: criteria provided, single submitter. Criteria: ACMG Guidelines, 2015. Collection method: clinical testing. Allele origin: germline. Inheritance: Autosomal recessive inheritance. Affected: yes.
Comment: PVS1_Very strong,PM2_Moderate

NM_012210.4(TRIM32):c.1569dup (p.Glu524Ter)

Genes: ASTN2 (astrotactin 2; minus strand), TRIM32 (tripartite motif containing 32; plus strand). Cytogenetic location: 9q33.1.
Variant type: Duplication.
Coding change: c.1569dup on transcript NM_012210.4 (MANE Select); coding-DNA position 1569, one base duplicated (T; older notation c.1569dupT).
Protein change: p.Glu524Ter; replaces glutamic acid 524 with a stop codon.
Molecular consequence: nonsense. On other transcripts: intron variant (3).
Genome position (GRCh38, 1-based): chr9:116,699,311, T duplicated. VCF-style (leftmost placement, unchanged base first): chr9-116699310-C-CT. GRCh37 (hg19) VCF-style: chr9-119461589-C-CT.
Other names: c.1569dup, p.Glu524Ter (NM_001099679.2, NM_001379048.1, NM_001379049.1 and 1 more transcripts); c.2653+26460dup (NM_014010.5); c.2794+26460dup (NM_001365069.1); c.2806+26460dup (NM_001365068.1); short protein forms E524*.
Identifiers: ClinVar variation 3897046 (VCV003897046.1).